The following is an entry in ClinVar:

NM_017763.6(RNF43):c.347C>T (p.Pro116Leu)

Gene: RNF43 (ring finger protein 43; minus strand). Cytogenetic location: 17q22.
Variant type: single nucleotide variant.
Coding change: c.347C>T on transcript NM_017763.6 (MANE Select); coding-DNA position 347, C replaced by T.
Protein change: p.Pro116Leu; replaces proline 116 with leucine.
Molecular consequence: missense variant.
Genome position (GRCh38, 1-based): chr17:58,370,939, G>A on the plus strand (C>T on the coding strand, the complement: RNF43 is on the minus strand). VCF-style: chr17-58370939-G-A. GRCh37 (hg19) VCF-style: chr17-56448300-G-A.
Other names: c.347C>T, p.Pro116Leu (NM_001305544.3); c.-35C>T (NM_001305545.2); short protein forms P116L.
Identifiers: ClinVar variation 3371798 (VCV003371798.2).

ClinVar aggregate classification (germline): Uncertain significance. Review status: criteria provided, multiple submitters, no conflicts (2 of 4 stars). 2 submissions from 2 submitters: Uncertain significance (2). Last evaluated 2025-03-18.

gnomAD v4.1: 1 of 1,608,508 alleles (0.000062%); no homozygotes.

Submissions (2):

Ambry Genetics
Classification: Uncertain significance. Last evaluated: 2025-03-18. Review status: criteria provided, single submitter. Criteria: Ambry Variant Classification Scheme 2023. Collection method: clinical testing. Allele origin: germline.
Comment: The p.P116L variant (also known as c.347C>T), located in coding exon 2 of the RNF43 gene, results from a C to T substitution at nucleotide position 347. The proline at codon 116 is replaced by leucine, an amino acid with similar properties. This amino acid position is conserved. In addition, the in silico prediction for this alteration is inconclusive. Based on the available evidence, the clinical significance of this variant remains unclear.

GeneDx
Classification: Uncertain significance. Last evaluated: 2024-04-01. Review status: criteria provided, single submitter. Criteria: GeneDx Variant Classification Process June 2021. Collection method: clinical testing. Allele origin: germline. Affected: yes.
Comment: Not observed at significant frequency in large population cohorts (gnomAD); In silico analysis supports that this missense variant has a deleterious effect on protein structure/function; Has not been previously published as pathogenic or benign to our knowledge; Variants in candidate genes are classified as variants of uncertain significance in accordance with ACMG guidelines (PMID: 25741868)